The following is an entry in ClinVar:

ClinVar aggregate classification (germline): Uncertain significance (1 of 4 stars; one submission).

Submission:

Labcorp Genetics (formerly Invitae), Labcorp
Classification: Uncertain significance. Last evaluated: 2025-05-24. Review status: criteria provided, single submitter. Criteria: Invitae Variant Classification Sherloc (09022015). Collection method: clinical testing. Allele origin: germline.
Comment: This sequence change replaces leucine, which is neutral and non-polar, with proline, which is neutral and non-polar, at codon 101 of the TERF2IP protein (p.Leu101Pro). The frequency data for this variant in the population databases is considered unreliable, as metrics indicate poor data quality at this position in the gnomAD database. This variant has not been reported in the literature in individuals affected with TERF2IP-related conditions. An algorithm developed to predict the effect of missense changes on protein structure and function (PolyPhen-2) suggests that this variant is likely to be disruptive. In summary, the available evidence is currently insufficient to determine the role of this variant in disease. Therefore, it has been classified as a Variant of Uncertain Significance.

NM_018975.4(TERF2IP):c.302T>C (p.Leu101Pro)

Gene: TERF2IP (TERF2 interacting protein; plus strand). Cytogenetic location: 16q23.1.
Variant type: single nucleotide variant.
Coding change: c.302T>C on transcript NM_018975.4 (MANE Select); coding-DNA position 302, T replaced by C.
Protein change: p.Leu101Pro; replaces leucine 101 with proline.
Molecular consequence: missense variant. On other transcripts: non-coding transcript variant (1).
Genome position (GRCh38, 1-based): chr16:75,648,184, T>C. VCF-style: chr16-75648184-T-C. GRCh37 (hg19) VCF-style: chr16-75682082-T-C.
Other names: short protein forms L101P.
Identifiers: ClinVar variation 4737776 (VCV004737776.1).
Genomic context (GRCh38, chr16:75,648,184, plus strand): 5'-CGCAGTACATCCTGGACTGCGTGGAGCGCAACGAGAGGCTGGAGCTGGAGGCCTATCGGC[T>C]GGGCCCCGCCTCGGCGGCGGACACCGGCTCGGAAGCAAAGCCCGGGGCCCTGGCCGAGGG-3'
Protein context (NP_061848.2, residues 91-111): NERLELEAYR[Leu101Pro]GPASAADTGS